The following continues an entry in ClinVar:

NM_133259.4(LRPPRC):c.3570-3C>T

Gene: LRPPRC. ClinVar aggregate classification (germline): Benign. Benign (6).

Submissions 69 to 110 of 110:

Dr. Peter K. Rogan Lab, Western University
No classification provided (evidence only). Condition: Thymoma. Review status: no classification provided. Collection method: in vitro. Allele origin: not applicable. Functional consequence: skipped exon. Not counted in ClinVar's aggregate classification.

Dr. Peter K. Rogan Lab, Western University
No classification provided (evidence only). Condition: Cholangiocarcinoma. Review status: no classification provided. Collection method: in vitro. Allele origin: not applicable. Functional consequence: skipped exon, retained intron. Not counted in ClinVar's aggregate classification.

Dr. Peter K. Rogan Lab, Western University
No classification provided (evidence only). Condition: Adrenocortical carcinoma, hereditary. Review status: no classification provided. Collection method: in vitro. Allele origin: not applicable. Functional consequence: retained intron. Not counted in ClinVar's aggregate classification.

Dr. Peter K. Rogan Lab, Western University
No classification provided (evidence only). Condition: Adrenocortical carcinoma, hereditary. Review status: no classification provided. Collection method: in vitro. Allele origin: not applicable. Functional consequence: retained intron. Not counted in ClinVar's aggregate classification.

Dr. Peter K. Rogan Lab, Western University
No classification provided (evidence only). Condition: Adrenocortical carcinoma, hereditary. Review status: no classification provided. Collection method: in vitro. Allele origin: not applicable. Functional consequence: retained intron. Not counted in ClinVar's aggregate classification.

Dr. Peter K. Rogan Lab, Western University
No classification provided (evidence only). Condition: Adrenocortical carcinoma, hereditary. Review status: no classification provided. Collection method: in vitro. Allele origin: not applicable. Functional consequence: skipped exon. Not counted in ClinVar's aggregate classification.

Dr. Peter K. Rogan Lab, Western University
No classification provided (evidence only). Condition: Uterine carcinosarcoma. Review status: no classification provided. Collection method: in vitro. Allele origin: not applicable. Functional consequence: retained intron. Not counted in ClinVar's aggregate classification.

Dr. Peter K. Rogan Lab, Western University
No classification provided (evidence only). Condition: Uterine carcinosarcoma. Review status: no classification provided. Collection method: in vitro. Allele origin: not applicable. Functional consequence: retained intron. Not counted in ClinVar's aggregate classification.

Dr. Peter K. Rogan Lab, Western University
No classification provided (evidence only). Condition: Uveal melanoma. Review status: no classification provided. Collection method: in vitro. Allele origin: not applicable. Functional consequence: retained intron. Not counted in ClinVar's aggregate classification.

Dr. Peter K. Rogan Lab, Western University
No classification provided (evidence only). Condition: Malignant tumor of esophagus. Review status: no classification provided. Collection method: in vitro. Allele origin: not applicable. Functional consequence: retained intron. Not counted in ClinVar's aggregate classification.

Dr. Peter K. Rogan Lab, Western University
No classification provided (evidence only). Condition: Malignant tumor of esophagus. Review status: no classification provided. Collection method: in vitro. Allele origin: not applicable. Functional consequence: retained intron. Not counted in ClinVar's aggregate classification.

Dr. Peter K. Rogan Lab, Western University
No classification provided (evidence only). Condition: Malignant tumor of esophagus. Review status: no classification provided. Collection method: in vitro. Allele origin: not applicable. Functional consequence: retained intron. Not counted in ClinVar's aggregate classification.

Dr. Peter K. Rogan Lab, Western University
No classification provided (evidence only). Condition: Malignant tumor of esophagus. Review status: no classification provided. Collection method: in vitro. Allele origin: not applicable. Functional consequence: retained intron. Not counted in ClinVar's aggregate classification.

Dr. Peter K. Rogan Lab, Western University
No classification provided (evidence only). Condition: Malignant tumor of esophagus. Review status: no classification provided. Collection method: in vitro. Allele origin: not applicable. Functional consequence: skipped exon, retained intron. Not counted in ClinVar's aggregate classification.

Dr. Peter K. Rogan Lab, Western University
No classification provided (evidence only). Condition: Malignant tumor of esophagus. Review status: no classification provided. Collection method: in vitro. Allele origin: not applicable. Functional consequence: retained intron. Not counted in ClinVar's aggregate classification.

Dr. Peter K. Rogan Lab, Western University
No classification provided (evidence only). Condition: Chronic lymphocytic leukemia/small lymphocytic lymphoma. Review status: no classification provided. Collection method: in vitro. Allele origin: not applicable. Functional consequence: retained intron. Not counted in ClinVar's aggregate classification.

Dr. Peter K. Rogan Lab, Western University
No classification provided (evidence only). Condition: Chronic lymphocytic leukemia/small lymphocytic lymphoma. Review status: no classification provided. Collection method: in vitro. Allele origin: not applicable. Functional consequence: retained intron. Not counted in ClinVar's aggregate classification.

Dr. Peter K. Rogan Lab, Western University
No classification provided (evidence only). Condition: Chronic lymphocytic leukemia/small lymphocytic lymphoma. Review status: no classification provided. Collection method: in vitro. Allele origin: not applicable. Functional consequence: retained intron. Not counted in ClinVar's aggregate classification.

Dr. Peter K. Rogan Lab, Western University
No classification provided (evidence only). Condition: Chronic lymphocytic leukemia/small lymphocytic lymphoma. Review status: no classification provided. Collection method: in vitro. Allele origin: not applicable. Functional consequence: retained intron. Not counted in ClinVar's aggregate classification.

Dr. Peter K. Rogan Lab, Western University
No classification provided (evidence only). Condition: Chronic lymphocytic leukemia/small lymphocytic lymphoma. Review status: no classification provided. Collection method: in vitro. Allele origin: not applicable. Functional consequence: retained intron. Not counted in ClinVar's aggregate classification.

Dr. Peter K. Rogan Lab, Western University
No classification provided (evidence only). Condition: Chronic lymphocytic leukemia/small lymphocytic lymphoma. Review status: no classification provided. Collection method: in vitro. Allele origin: not applicable. Functional consequence: retained intron. Not counted in ClinVar's aggregate classification.

Dr. Peter K. Rogan Lab, Western University
No classification provided (evidence only). Condition: Chronic lymphocytic leukemia/small lymphocytic lymphoma. Review status: no classification provided. Collection method: in vitro. Allele origin: not applicable. Functional consequence: retained intron. Not counted in ClinVar's aggregate classification.

Dr. Peter K. Rogan Lab, Western University
No classification provided (evidence only). Condition: Chronic lymphocytic leukemia/small lymphocytic lymphoma. Review status: no classification provided. Collection method: in vitro. Allele origin: not applicable. Functional consequence: skipped exon, retained intron. Not counted in ClinVar's aggregate classification.

Dr. Peter K. Rogan Lab, Western University
No classification provided (evidence only). Condition: Nonpapillary renal cell carcinoma. Review status: no classification provided. Collection method: in vitro. Allele origin: not applicable. Functional consequence: retained intron. Not counted in ClinVar's aggregate classification.

Dr. Peter K. Rogan Lab, Western University
No classification provided (evidence only). Condition: Familial pancreatic carcinoma. Review status: no classification provided. Collection method: in vitro. Allele origin: not applicable. Functional consequence: retained intron. Not counted in ClinVar's aggregate classification.

Dr. Peter K. Rogan Lab, Western University
No classification provided (evidence only). Condition: Familial pancreatic carcinoma. Review status: no classification provided. Collection method: in vitro. Allele origin: not applicable. Functional consequence: retained intron. Not counted in ClinVar's aggregate classification.

Dr. Peter K. Rogan Lab, Western University
No classification provided (evidence only). Condition: Familial pancreatic carcinoma. Review status: no classification provided. Collection method: in vitro. Allele origin: not applicable. Functional consequence: retained intron. Not counted in ClinVar's aggregate classification.

Dr. Peter K. Rogan Lab, Western University
No classification provided (evidence only). Condition: Familial pancreatic carcinoma. Review status: no classification provided. Collection method: in vitro. Allele origin: not applicable. Functional consequence: skipped exon. Not counted in ClinVar's aggregate classification.

Dr. Peter K. Rogan Lab, Western University
No classification provided (evidence only). Condition: Lymphoma. Review status: no classification provided. Collection method: in vitro. Allele origin: not applicable. Functional consequence: retained intron. Not counted in ClinVar's aggregate classification.

Dr. Peter K. Rogan Lab, Western University
No classification provided (evidence only). Condition: Lymphoma. Review status: no classification provided. Collection method: in vitro. Allele origin: not applicable. Functional consequence: retained intron. Not counted in ClinVar's aggregate classification.

Dr. Peter K. Rogan Lab, Western University
No classification provided (evidence only). Condition: Lymphoma. Review status: no classification provided. Collection method: in vitro. Allele origin: not applicable. Functional consequence: retained intron. Not counted in ClinVar's aggregate classification.

Dr. Peter K. Rogan Lab, Western University
No classification provided (evidence only). Condition: Lymphoma. Review status: no classification provided. Collection method: in vitro. Allele origin: not applicable. Functional consequence: retained intron. Not counted in ClinVar's aggregate classification.

Dr. Peter K. Rogan Lab, Western University
No classification provided (evidence only). Condition: Lymphoma. Review status: no classification provided. Collection method: in vitro. Allele origin: not applicable. Functional consequence: retained intron. Not counted in ClinVar's aggregate classification.

Dr. Peter K. Rogan Lab, Western University
No classification provided (evidence only). Condition: Lymphoma. Review status: no classification provided. Collection method: in vitro. Allele origin: not applicable. Functional consequence: skipped exon, retained intron. Not counted in ClinVar's aggregate classification.

Dr. Peter K. Rogan Lab, Western University
No classification provided (evidence only). Condition: Lymphoma. Review status: no classification provided. Collection method: in vitro. Allele origin: not applicable. Functional consequence: skipped exon, retained intron. Not counted in ClinVar's aggregate classification.

Dr. Peter K. Rogan Lab, Western University
No classification provided (evidence only). Condition: Ovarian cancer. Review status: no classification provided. Collection method: in vitro. Allele origin: not applicable. Functional consequence: skipped exon. Not counted in ClinVar's aggregate classification.

Dr. Peter K. Rogan Lab, Western University
No classification provided (evidence only). Condition: Ovarian cancer. Review status: no classification provided. Collection method: in vitro. Allele origin: not applicable. Functional consequence: skipped exon, retained intron. Not counted in ClinVar's aggregate classification.

Dr. Peter K. Rogan Lab, Western University
No classification provided (evidence only). Condition: Ovarian cancer. Review status: no classification provided. Collection method: in vitro. Allele origin: not applicable. Functional consequence: retained intron. Not counted in ClinVar's aggregate classification.

Dr. Peter K. Rogan Lab, Western University
No classification provided (evidence only). Condition: Ovarian cancer. Review status: no classification provided. Collection method: in vitro. Allele origin: not applicable. Functional consequence: retained intron. Not counted in ClinVar's aggregate classification.

Dr. Peter K. Rogan Lab, Western University
No classification provided (evidence only). Condition: Ovarian cancer. Review status: no classification provided. Collection method: in vitro. Allele origin: not applicable. Functional consequence: skipped exon, retained intron. Not counted in ClinVar's aggregate classification.

Dr. Peter K. Rogan Lab, Western University
No classification provided (evidence only). Condition: Ovarian cancer. Review status: no classification provided. Collection method: in vitro. Allele origin: not applicable. Functional consequence: skipped exon, retained intron. Not counted in ClinVar's aggregate classification.

Dr. Peter K. Rogan Lab, Western University
No classification provided (evidence only). Condition: Ovarian cancer. Review status: no classification provided. Collection method: in vitro. Allele origin: not applicable. Functional consequence: skipped exon, retained intron. Not counted in ClinVar's aggregate classification.